The following is an entry in ClinVar:

NM_002691.4(POLD1):c.-1-2A>C

Gene: POLD1 (DNA polymerase delta 1, catalytic subunit; plus strand). Cytogenetic location: 19q13.33.
Variant type: single nucleotide variant.
Coding change: c.-1-2A>C on transcript NM_002691.4 (MANE Select); the canonical splice acceptor site of the intron before 1 bases upstream of the start codon, A replaced by C.
Molecular consequence: splice acceptor variant. On other transcripts: 5 prime UTR variant (1).
Genome position (GRCh38, 1-based): chr19:50,398,849, A>C. VCF-style: chr19-50398849-A-C. GRCh37 (hg19) VCF-style: chr19-50902106-A-C.
Other names: c.-3A>C (NM_001256849.1); c.-1-2A>C (NM_002691.2).
Identifiers: ClinVar variation 548776 (VCV000548776.3), dbSNP rs1254845405, ClinGen allele CA658823928.

ClinVar aggregate classification (germline): Uncertain significance. Review status: criteria provided, single submitter (1 of 4 stars). 2 submissions from 2 submitters: Uncertain significance (1). 1 of the submissions does not count toward it. Last evaluated 2025-08-28.

Conditions:
Hereditary cancer-predisposing syndrome. Also called: Tumor predisposition; Neoplastic Syndromes, Hereditary; Hereditary Cancer Syndrome; Hereditary neoplastic syndrome. Identifiers: Orphanet 140162, MedGen C0027672, MeSH D009386, MONDO:0015356.
POLD1-related polyposis and colorectal cancer syndrome (CRCS10). Also called: Colorectal cancer 10; COLORECTAL CANCER, SUSCEPTIBILITY TO, ON CHROMOSOME 19q; Colorectal cancer, susceptibility to, 10. Identifiers: Orphanet 220460, MedGen C2675481, MONDO:0012953, OMIM 612591.

Allele frequency attached by ClinVar (database versions not stated): TOPMed below 0.00001; gnomAD exomes 0.00001.
gnomAD v4.1: 3 of 1,608,276 alleles (0.00019%); highest among the groups gnomAD compares: Non-Finnish European, 0.00025%; no homozygotes.

Submissions (2):

Ambry Genetics
Classification: Uncertain significance for Hereditary cancer-predisposing syndrome. Last evaluated: 2025-08-28. Review status: criteria provided, single submitter. Criteria: Ambry Variant Classification Scheme 2023. Collection method: clinical testing. Allele origin: germline.
Comment: The c.-1-2A>C intronic variant is located in the 5' untranslated region (5&rsquo; UTR) of the POLD1 gene. This intronic variant results from an A to C substitution two nucleotides upstream from the first translated codon. This nucleotide position is highly conserved in available vertebrate species. In silico splice site analysis predicts that this alteration will weaken the native splice acceptor site. Based on the available evidence, the clinical significance of this variant remains unclear.

Counsyl
Classification: Uncertain significance for POLD1-related polyposis and colorectal cancer syndrome. Last evaluated: 2017-08-15. Review status: no assertion criteria provided. Collection method: clinical testing. Allele origin: unknown. Not counted in ClinVar's aggregate classification.